The following is an entry in ClinVar:

NM_016616.5(NME8):c.410A>T (p.Asp137Val)

Gene: NME8 (NME/NM23 family member 8; plus strand). Cytogenetic location: 7p14.1.
Variant type: single nucleotide variant.
Coding change: c.410A>T on transcript NM_016616.5 (MANE Select); coding-DNA position 410, A replaced by T.
Protein change: p.Asp137Val; replaces aspartic acid 137 with valine.
Molecular consequence: missense variant.
Genome position (GRCh38, 1-based): chr7:37,863,418, A>T. VCF-style: chr7-37863418-A-T. GRCh37 (hg19) VCF-style: chr7-37903020-A-T.
Other names: c.410A>T (NM_016616.4); short protein forms D137V.
Identifiers: ClinVar variation 2884808 (VCV002884808.4), dbSNP rs761334758, ClinGen allele CA4222181.

ClinVar aggregate classification (germline): Uncertain significance. Review status: criteria provided, multiple submitters, no conflicts (2 of 4 stars). 2 submissions from 2 submitters: Uncertain significance (2). Last evaluated 2025-08-01.

Conditions:
Primary ciliary dyskinesia. Also called: Ciliary dyskinesia. Identifiers: Orphanet 244, MedGen C0008780, MONDO:0016575, HP:0012265.
Primary ciliary dyskinesia 6. Also called: Primary Ciliary Dyskinesia 6: TXNDC3-Related Primary Ciliary Dyskinesia. Identifiers: Orphanet 244, MedGen C1970506, MONDO:0012571, OMIM 610852.

Allele frequency attached by ClinVar (database versions not stated): ExAC 0.00002; TOPMed 0.00002; gnomAD 0.00005.
gnomAD v4.1: 167 of 1,594,146 alleles (0.01%); highest among the groups gnomAD compares: East Asian, 0.37%; no homozygotes.

Submissions (2):

Ambry Genetics
Classification: Uncertain significance for Primary ciliary dyskinesia. Last evaluated: 2025-08-01. Review status: criteria provided, single submitter. Criteria: Ambry Variant Classification Scheme 2023. Collection method: clinical testing. Allele origin: germline.

Labcorp Genetics (formerly Invitae), Labcorp
Classification: Uncertain significance for Primary ciliary dyskinesia 6. Last evaluated: 2023-03-08. Review status: criteria provided, single submitter. Criteria: Invitae Variant Classification Sherloc (09022015). Collection method: clinical testing. Allele origin: germline.
Comment: This variant has not been reported in the literature in individuals affected with NME8-related conditions. In summary, the available evidence is currently insufficient to determine the role of this variant in disease. Therefore, it has been classified as a Variant of Uncertain Significance. Advanced modeling of protein sequence and biophysical properties (such as structural, functional, and spatial information, amino acid conservation, physicochemical variation, residue mobility, and thermodynamic stability) has been performed at Invitae for this missense variant, however the output from this modeling did not meet the statistical confidence thresholds required to predict the impact of this variant on NME8 protein function. This variant is present in population databases (rs761334758, gnomAD 0.02%). This sequence change replaces aspartic acid, which is acidic and polar, with valine, which is neutral and non-polar, at codon 137 of the NME8 protein (p.Asp137Val).